The following is an entry in ClinVar:

NM_152476.3(ZNF560):c.1096C>A (p.His366Asn)

Gene: ZNF560 (zinc finger protein 560; minus strand). Cytogenetic location: 19p13.2.
Variant type: single nucleotide variant.
Coding change: c.1096C>A on transcript NM_152476.3 (MANE Select); coding-DNA position 1096, C replaced by A.
Protein change: p.His366Asn; replaces histidine 366 with asparagine.
Molecular consequence: missense variant.
Genome position (GRCh38, 1-based): chr19:9,467,851, G>T on the plus strand (C>A on the coding strand, the complement: ZNF560 is on the minus strand). VCF-style: chr19-9467851-G-T. GRCh37 (hg19) VCF-style: chr19-9578527-G-T.
Other names: c.778C>A, p.His260Asn (NM_001351678.2); short protein forms H366N, H260N.
Identifiers: ClinVar variation 161815 (VCV000161815.2), dbSNP rs193920939, ClinGen allele CA174838.

ClinVar aggregate classification (germline): Uncertain significance (0 of 4 stars; one submission).

Conditions:
Prostate cancer. Also called: Malignant tumor of prostate. Identifiers: Orphanet 1331, MedGen C0376358, MONDO:0008315, HP:0012125.

Submission:

Science for Life laboratory,  Karolinska Institutet
Classification: Uncertain significance for Malignant tumor of prostate. Review status: no assertion criteria provided. Collection method: not provided. Allele origin: somatic.
Comment: TumorID:SWE-2
ClinVar note: Converted during submission from Unknown to Uncertain significance.